The following continues an entry in ClinVar:

NM_000530.8(MPZ):c.200G>A (p.Arg67His)

Gene: MPZ. ClinVar aggregate classification (germline): Conflicting classifications of pathogenicity. Pathogenic (1); Likely pathogenic (3); Uncertain significance (10); Likely benign (1).

Submissions 9 to 15 of 15:

Mayo Clinic Laboratories, Mayo Clinic
Classification: Uncertain significance. Last evaluated: 2021-12-20. Review status: criteria provided, single submitter. Criteria: ACMG Guidelines, 2015. Collection method: clinical testing. Allele origin: germline. Observed: 2 variant alleles.

GeneDx
Classification: Likely benign. Last evaluated: 2018-01-17. Review status: criteria provided, single submitter. Criteria: GeneDx Variant Classification (06012015). Collection method: clinical testing. Allele origin: germline. Affected: yes.
Comment: This variant is considered likely benign or benign based on one or more of the following criteria: it is a conservative change, it occurs at a poorly conserved position in the protein, it is predicted to be benign by multiple in silico algorithms, and/or has population frequency not consistent with disease.

Illumina Laboratory Services, Illumina
Classification: Uncertain significance for Neuropathy, congenital hypomyelinating, 2. Last evaluated: 2017-04-27. Review status: criteria provided, single submitter. Criteria: ICSL Variant Classification Criteria 13 December 2019. Collection method: clinical testing. Allele origin: germline.

Illumina Laboratory Services, Illumina
Classification: Uncertain significance for Charcot-Marie-Tooth disease type 1B. Last evaluated: 2017-04-27. Review status: criteria provided, single submitter. Criteria: ICSL Variant Classification Criteria 13 December 2019. Collection method: clinical testing. Allele origin: germline.

Illumina Laboratory Services, Illumina
Classification: Uncertain significance for Charcot-Marie-Tooth disease dominant intermediate D. Last evaluated: 2017-04-27. Review status: criteria provided, single submitter. Criteria: ICSL Variant Classification Criteria 13 December 2019. Collection method: clinical testing. Allele origin: germline.

Illumina Laboratory Services, Illumina
Classification: Uncertain significance for Roussy-Lévy syndrome. Last evaluated: 2017-04-27. Review status: criteria provided, single submitter. Criteria: ICSL Variant Classification Criteria 13 December 2019. Collection method: clinical testing. Allele origin: germline.

Molecular Genetics Laboratory, London Health Sciences Centre
Classification: Uncertain significance for Charcot-Marie-Tooth disease. Review status: criteria provided, single submitter. Criteria: ACMG Guidelines, 2015. Collection method: clinical testing. Allele origin: germline. Affected: yes.

Literature cited by the submitters: PubMed 26392352 (cited by 4 submitters); PubMed 32376792 (cited by 3 submitters); PubMed 15642860 (cited by Labcorp Genetics (formerly Invitae), Labcorp); PubMed 38871447 (cited by Women's Health and Genetics/Laboratory Corporation of America, LabCorp); PubMed 36203352 (cited by Women's Health and Genetics/Laboratory Corporation of America, LabCorp); PubMed 10399750 (cited by Women's Health and Genetics/Laboratory Corporation of America, LabCorp); PubMed 26135405 (cited by Athena Diagnostics); PubMed 25614874 (cited by Athena Diagnostics).